The following is an entry in ClinVar:

ClinVar aggregate classification (germline): Pathogenic/Likely pathogenic. Review status: criteria provided, multiple submitters, no conflicts (2 of 4 stars). 2 submissions from 2 submitters: Pathogenic (1); Likely pathogenic (1). Last evaluated 2023-10-07.

Conditions:
Maple syrup urine disease (MSUD). Identifiers: Orphanet 511, MedGen C0024776, MeSH D008375, MONDO:0009563. Disease mechanism: loss of function.

Submissions (2):

Baylor Genetics
Classification: Likely pathogenic for Maple syrup urine disease type 1A. Last evaluated: 2023-10-07. Review status: criteria provided, single submitter. Criteria: ACMG Guidelines, 2015. Collection method: clinical testing. Allele origin: unknown.

Labcorp Genetics (formerly Invitae), Labcorp
Classification: Pathogenic for Maple syrup urine disease. Last evaluated: 2023-03-29. Review status: criteria provided, single submitter. Criteria: Invitae Variant Classification Sherloc (09022015). Collection method: clinical testing. Allele origin: germline.
Comment: For these reasons, this variant has been classified as Pathogenic. This variant disrupts a region of the BCKDHA protein in which other variant(s) (p.Tyr438Trpfs*45) have been determined to be pathogenic (Invitae). This suggests that this is a clinically significant region of the protein, and that variants that disrupt it are likely to be disease-causing. ClinVar contains an entry for this variant (Variation ID: 1072888). This variant has not been reported in the literature in individuals affected with BCKDHA-related conditions. This variant is not present in population databases (gnomAD no frequency). This sequence change creates a premature translational stop signal (p.Glu436*) in the BCKDHA gene. While this is not anticipated to result in nonsense mediated decay, it is expected to disrupt the last 10 amino acid(s) of the BCKDHA protein.

NM_000709.4(BCKDHA):c.1306G>T (p.Glu436Ter)

Gene: BCKDHA (branched chain keto acid dehydrogenase E1 subunit alpha; plus strand). Cytogenetic location: 19q13.2.
Variant type: single nucleotide variant.
Coding change: c.1306G>T on transcript NM_000709.4 (MANE Select); coding-DNA position 1306, G replaced by T.
Protein change: p.Glu436Ter; replaces glutamic acid 436 with a stop codon.
Molecular consequence: nonsense.
Genome position (GRCh38, 1-based): chr19:41,424,576, G>T. VCF-style: chr19-41424576-G-T. GRCh37 (hg19) VCF-style: chr19-41930481-G-T.
Other names: c.1303G>T, p.Glu435Ter (NM_001164783.2); short protein forms E435*, E436*.
Identifiers: ClinVar variation 1072888 (VCV001072888.11), dbSNP rs1298823471, ClinGen allele CA406015648.